The following is an entry in ClinVar:

ClinVar aggregate classification (germline): Uncertain significance (1 of 4 stars; one submission).

Allele frequency attached by ClinVar (database versions not stated): gnomAD exomes below 0.00001; ExAC 0.00001; gnomAD 0.00001; TOPMed 0.00002; ESP Exome Variant Server 0.00015.
gnomAD v4.1: 5 of 1,613,724 alleles (0.00031%); highest among the groups gnomAD compares: African/African-American, 0.0053%; no homozygotes.

Submission:

Labcorp Genetics (formerly Invitae), Labcorp
Classification: Uncertain significance. Last evaluated: 2022-05-17. Review status: criteria provided, single submitter. Criteria: Invitae Variant Classification Sherloc (09022015). Collection method: clinical testing. Allele origin: germline.
Comment: Algorithms developed to predict the effect of missense changes on protein structure and function are either unavailable or do not agree on the potential impact of this missense change (SIFT: "Deleterious"; PolyPhen-2: "Benign"; Align-GVGD: "Class C0"). This variant has not been reported in the literature in individuals affected with VCAN-related conditions. This variant is present in population databases (rs138176813, gnomAD 0.007%). This sequence change replaces proline, which is neutral and non-polar, with serine, which is neutral and polar, at codon 30 of the VCAN protein (p.Pro30Ser). In summary, the available evidence is currently insufficient to determine the role of this variant in disease. Therefore, it has been classified as a Variant of Uncertain Significance.

NM_004385.5(VCAN):c.88C>T (p.Pro30Ser)

Gene: VCAN (versican; plus strand). Cytogenetic location: 5q14.2.
Variant type: single nucleotide variant.
Coding change: c.88C>T on transcript NM_004385.5 (MANE Select); coding-DNA position 88, C replaced by T.
Protein change: p.Pro30Ser; replaces proline 30 with serine.
Molecular consequence: missense variant.
Genome position (GRCh38, 1-based): chr5:83,490,115, C>T. VCF-style: chr5-83490115-C-T. GRCh37 (hg19) VCF-style: chr5-82785934-C-T.
Other names: c.88C>T, p.Pro30Ser (NM_001126336.3, NM_001164097.2, NM_001164098.2); short protein forms P30S.
Identifiers: ClinVar variation 1928255 (VCV001928255.5), dbSNP rs138176813, ClinGen allele CA3332386.